The following is an entry in ClinVar:

ClinVar aggregate classification (germline): Uncertain significance (1 of 4 stars; one submission).

Submission:

Labcorp Genetics (formerly Invitae), Labcorp
Classification: Uncertain significance. Last evaluated: 2025-06-27. Review status: criteria provided, single submitter. Criteria: Invitae Variant Classification Sherloc (09022015). Collection method: clinical testing. Allele origin: germline.
Comment: This variant, c.858_860del, results in the deletion of 1 amino acid(s) of the DMXL2 protein (p.Thr288del), but otherwise preserves the integrity of the reading frame. This variant is not present in population databases (gnomAD no frequency). This variant has not been reported in the literature in individuals affected with DMXL2-related conditions. Experimental studies and prediction algorithms are not available or were not evaluated, and the functional significance of this variant is currently unknown. In summary, the available evidence is currently insufficient to determine the role of this variant in disease. Therefore, it has been classified as a Variant of Uncertain Significance.

NM_001378457.1(DMXL2):c.858_860del (p.Thr288del)

Gene: DMXL2 (Dmx like 2; minus strand). Cytogenetic location: 15q21.2.
Variant type: Deletion.
Coding change: c.858_860del on transcript NM_001378457.1 (MANE Select); coding-DNA positions 858 to 860, 3 bases deleted (TAC; older notation c.858_860delTAC).
Protein change: p.Thr288del; deletes threonine 288.
Molecular consequence: inframe deletion. On other transcripts: non-coding transcript variant (2).
Genome position (GRCh38, 1-based): chr15:51,545,653-51,545,655, GTA deleted on the plus strand (TAC on the coding strand, the reverse complement: DMXL2 is on the minus strand); deleting any 3 consecutive bases within chr15:51,545,653-51,545,657 gives the same sequence; the c. name uses the placement nearest the transcript's 3' end. VCF-style (leftmost placement, unchanged base first): chr15-51545652-GGTA-G. GRCh37 (hg19) VCF-style: chr15-51837849-GGTA-G.
Other names: c.858_860del, p.Thr288del (NM_001174116.3, NM_001174117.3, NM_001378458.1 and 7 more transcripts); short protein forms T288del.
Identifiers: ClinVar variation 4741538 (VCV004741538.1).